The following is an entry in ClinVar:

NM_001845.6(COL4A1):c.3058+5A>T

Gene: COL4A1 (collagen type IV alpha 1 chain; minus strand). Cytogenetic location: 13q34.
Variant type: single nucleotide variant.
Coding change: c.3058+5A>T on transcript NM_001845.6 (MANE Select); 5 bases into the intron after coding-DNA position 3058, A replaced by T.
Molecular consequence: intron variant.
Genome position (GRCh38, 1-based): chr13:110,176,419, T>A on the plus strand (A>T on the coding strand, the complement: COL4A1 is on the minus strand). VCF-style: chr13-110176419-T-A. GRCh37 (hg19) VCF-style: chr13-110828766-T-A.
Identifiers: ClinVar variation 4692249 (VCV004692249.1).

ClinVar aggregate classification (germline): Uncertain significance (1 of 4 stars; one submission).

gnomAD v4.1: 3 of 1,605,828 alleles (0.00019%); highest among the groups gnomAD compares: Non-Finnish European, 0.00026%; no homozygotes.

Submission:

Labcorp Genetics (formerly Invitae), Labcorp
Classification: Uncertain significance. Last evaluated: 2025-10-03. Review status: criteria provided, single submitter. Criteria: Invitae Variant Classification Sherloc (09022015). Collection method: clinical testing. Allele origin: germline.
Comment: This sequence change falls in intron 36 of the COL4A1 gene. It does not directly change the encoded amino acid sequence of the COL4A1 protein. It affects a nucleotide within the consensus splice site. This variant is present in population databases (no rsID available, gnomAD 0.0009%). This variant has not been reported in the literature in individuals affected with COL4A1-related conditions. Variants that disrupt the consensus splice site are a relatively common cause of aberrant splicing (PMID: 17576681, 9536098). Algorithms developed to predict the effect of sequence changes on RNA splicing suggest that this variant is not likely to affect RNA splicing. In summary, the available evidence is currently insufficient to determine the role of this variant in disease. Therefore, it has been classified as a Variant of Uncertain Significance.

Literature cited by the submitters: PubMed 17576681; PubMed 9536098.